The following is an entry in ClinVar:

NM_000059.4(BRCA2):c.3413A>T (p.Gln1138Leu)

Gene: BRCA2 (BRCA2 DNA repair associated; plus strand). Cytogenetic location: 13q13.1.
Variant type: single nucleotide variant.
Coding change: c.3413A>T on transcript NM_000059.4 (MANE Select); coding-DNA position 3413, A replaced by T.
Protein change: p.Gln1138Leu; replaces glutamine 1138 with leucine.
Molecular consequence: missense variant.
Genome position (GRCh38, 1-based): chr13:32,337,768, A>T. VCF-style: chr13-32337768-A-T. GRCh37 (hg19) VCF-style: chr13-32911905-A-T.
Other names: (p.Gln1138Leu); short protein forms Q1138L.
Identifiers: ClinVar variation 51458 (VCV000051458.24), dbSNP rs80358584, ClinGen allele CA017965.

ClinVar aggregate classification (germline): Conflicting classifications of pathogenicity. Review status: criteria provided, conflicting classifications (1 of 4 stars). 8 submissions from 8 submitters: Uncertain significance (4); Benign (1); Likely benign (2). 1 of the submissions does not count toward it. Last evaluated 2025-10-09.

Conditions:
Hereditary cancer-predisposing syndrome. Also called: Neoplastic Syndromes, Hereditary; Tumor predisposition; Hereditary Cancer Syndrome; Hereditary neoplastic syndrome. Identifiers: Orphanet 140162, MedGen C0027672, MeSH D009386, MONDO:0015356.
Hereditary breast ovarian cancer syndrome. Also called: Hereditary breast and ovarian cancer syndrome; Hereditary breast and ovarian cancer; Hereditary breast and ovarian cancer syndrome (HBOC); Breast and ovarian cancer; Hereditary breast and/or ovarian cancer syndrome; BRCA1- and BRCA2-Associated Hereditary Breast and Ovarian Cancer. Identifiers: Orphanet 145, MedGen C0677776, MeSH D061325, MONDO:0003582. Disease mechanism: loss of function.
Breast-ovarian cancer, familial, susceptibility to, 2 (BROVCA2). Also called: BRCA2 Hereditary Breast and Ovarian Cancer. Identifiers: Orphanet 145, MedGen C2675520, MONDO:0012933, OMIM 612555. Disease mechanism: loss of function.
BRCA2-related cancer predisposition. Identifiers: MedGen CN377758, MONDO:0700269.

Allele frequency attached by ClinVar (database versions not stated): gnomAD exomes below 0.00001.
gnomAD v4.1: 3 of 1,614,072 alleles (0.00019%); highest among the groups gnomAD compares: Non-Finnish European, 0.00025%; no homozygotes.

Submissions (8):

Ambry Genetics
Classification: Likely benign for Hereditary cancer-predisposing syndrome. Last evaluated: 2025-10-09. Review status: criteria provided, single submitter. Criteria: Ambry Variant Classification Scheme 2023. Collection method: clinical testing. Allele origin: germline.

Labcorp Genetics (formerly Invitae), Labcorp
Classification: Uncertain significance for Hereditary breast ovarian cancer syndrome. Last evaluated: 2025-06-06. Review status: criteria provided, single submitter. Criteria: Invitae Variant Classification Sherloc (09022015). Collection method: clinical testing. Allele origin: germline.
Comment: This sequence change replaces glutamine, which is neutral and polar, with leucine, which is neutral and non-polar, at codon 1138 of the BRCA2 protein (p.Gln1138Leu). This variant is present in population databases (rs80358584, gnomAD 0.0009%). This missense change has been observed in individual(s) with clinical features of BRCA2-related conditions (PMID: 10923033, 21520333). ClinVar contains an entry for this variant (Variation ID: 51458). Invitae Evidence Modeling of protein sequence and biophysical properties (such as structural, functional, and spatial information, amino acid conservation, physicochemical variation, residue mobility, and thermodynamic stability) indicates that this missense variant is not expected to disrupt BRCA2 protein function with a negative predictive value of 95%. In summary, the available evidence is currently insufficient to determine the role of this variant in disease. Therefore, it has been classified as a Variant of Uncertain Significance.

All of Us Research Program, National Institutes of Health
Classification: Uncertain significance for BRCA2-related cancer predisposition. Last evaluated: 2024-04-16. Review status: criteria provided, single submitter. Criteria: ACMG Guidelines, 2015. Collection method: clinical testing. Allele origin: germline. Inheritance: Autosomal dominant inheritance. Observed: 1 variant allele, 1 heterozygote.
Comment: This missense variant replaces glutamine with leucine at codon 1138 of the BRCA2 protein. Computational prediction suggests that this variant may not impact protein structure and function (internally defined REVEL score threshold <= 0.5, PMID: 27666373). To our knowledge, functional studies have not been reported for this variant. This variant has been reported in an unaffected individual (PMID: 33471991; Leiden Open Variation Database DB-ID BRCA2_002615) and in a multifactorial analysis with co-occurrence and family history likelihood ratios for pathogenicity of 1.0246 and 0.8016, respectively (PMID: 31131967). This variant has been identified in 1/250954 chromosomes in the general population by the Genome Aggregation Database (gnomAD). The available evidence is insufficient to determine the role of this variant in disease conclusively. Therefore, this variant is classified as a Variant of Uncertain Significance.

This study involves interpretation of variants in research participants for the purpose of population health screening. Participant phenotype was not available at the time of variant classification. Additional details can be found in publication PMID: 35346344, PMCID: PMC8962531

Color Diagnostics, LLC DBA Color Health
Classification: Uncertain significance for Hereditary cancer-predisposing syndrome. Last evaluated: 2023-07-17. Review status: criteria provided, single submitter. Criteria: ACMG Guidelines, 2015. Collection method: clinical testing. Allele origin: germline.
Comment: This missense variant replaces glutamine with leucine at codon 1138 of the BRCA2 protein. Computational prediction suggests that this variant may not impact protein structure and function (internally defined REVEL score threshold <= 0.5, PMID: 27666373). To our knowledge, functional studies have not been reported for this variant. This variant has been reported in an unaffected individual (PMID: 33471991; Leiden Open Variation Database DB-ID BRCA2_002615) and in a multifactorial analysis with co-occurrence and family history likelihood ratios for pathogenicity of 1.0246 and 0.8016, respectively (PMID: 31131967). This variant has been identified in 1/250954 chromosomes in the general population by the Genome Aggregation Database (gnomAD). The available evidence is insufficient to determine the role of this variant in disease conclusively. Therefore, this variant is classified as a Variant of Uncertain Significance.

University of Washington Department of Laboratory Medicine, University of Washington
Classification: Likely benign for Hereditary cancer-predisposing syndrome. Last evaluated: 2023-03-23. Review status: criteria provided, single submitter. Criteria: Dines et al. (Genet Med. 2020). Collection method: curation. Allele origin: germline.
Comment: Missense variant in a coldspot region where missense variants are very unlikely to be pathogenic (PMID:31911673).

BRCA2 exon 11 coldspot. Reclassification based on statistical prior probability.

GeneDx
Classification: Uncertain significance. Last evaluated: 2022-11-22. Review status: criteria provided, single submitter. Criteria: GeneDx Variant Classification Process June 2021. Collection method: clinical testing. Allele origin: germline. Affected: yes.
Comment: Not observed at significant frequency in large population cohorts (gnomAD); In silico analysis supports that this missense variant has a deleterious effect on protein structure/function; Has not been previously published as pathogenic or benign to our knowledge; Also known as 3641A>T; This variant is associated with the following publications: (PMID: 25348012, 31131967)

Dipartimento Di Medicina Di Precisione, Università Degli Studi Della Campania Luigi Vanvitelli
Classification: Benign for Breast-ovarian cancer, familial, susceptibility to, 2. Review status: criteria provided, single submitter. Criteria: ACMG Guidelines, 2015. Collection method: clinical testing. Allele origin: germline. Inheritance: Autosomal dominant inheritance. Affected: yes. Observed: 1 heterozygote.
Comment: The missense variant c.3413A>T (p.Gln1138Leu) in the BRCA2 gene is located in exon 11, the largest and most functionally relevant exon of the gene. It results in the substitution of glutamine with leucine at codon 1138, involving a change from a polar to a hydrophobic amino acid. In silico analyses using predictive tools such as BayesDel and REVEL indicate a benign effect on BRCA2 protein function.

Breast Cancer Information Core (BIC) (BRCA2)
Classification: Uncertain significance for Breast-ovarian cancer, familial 2. Last evaluated: 2004-02-20. Review status: no assertion criteria provided. Collection method: clinical testing. Allele origin: germline. Affected: yes. Observed: 2 variant alleles. Not counted in ClinVar's aggregate classification.

Literature cited by the submitters: PubMed 10923033 (cited by Labcorp Genetics (formerly Invitae), Labcorp); PubMed 21520333 (cited by Labcorp Genetics (formerly Invitae), Labcorp); PubMed 31131967 (cited by All of Us Research Program, National Institutes of Health and Color Diagnostics, LLC DBA Color Health); PubMed 33471991 (cited by All of Us Research Program, National Institutes of Health and Color Diagnostics, LLC DBA Color Health); DOI 10.3390/ijms26135928 (cited by Dipartimento Di Medicina Di Precisione, Università Degli Studi Della Campania Luigi Vanvitelli).